The following is an entry in ClinVar:

ClinVar aggregate classification (germline): Likely benign (1 of 4 stars; one submission).

Allele frequency attached by ClinVar (database versions not stated): ESP Exome Variant Server 0.00082; gnomAD 0.00106; gnomAD exomes 0.00117; 1000 Genomes Project 0.00160; TOPMed 0.00168; 1000 Genomes Project 30x 0.00172; ExAC 0.00181.
gnomAD v4.1: 1,979 of 1,613,686 alleles (0.12%); highest among the groups gnomAD compares: Middle Eastern, 1.8%; 10 homozygotes.

Submission:

CeGaT Center for Human Genetics Tuebingen
Classification: Likely benign. Last evaluated: 2022-10-01. Review status: criteria provided, single submitter. Criteria: CeGaT Center For Human Genetics Tuebingen Variant Classification Criteria Version 2. Collection method: clinical testing. Allele origin: germline. Affected: yes. Observed: 2 variant alleles.
Comment: HECW1: BP4, BP7

NM_015052.5(HECW1):c.4032C>T (p.Ser1344=)

Gene: HECW1 (HECT, C2 and WW domain containing E3 ubiquitin protein ligase 1; plus strand). Cytogenetic location: 7p13.
Variant type: single nucleotide variant.
Coding change: c.4032C>T on transcript NM_015052.5 (MANE Select); coding-DNA position 4032, C replaced by T.
Protein change: p.Ser1344=; no amino-acid change (serine 1344 retained).
Molecular consequence: synonymous variant.
Genome position (GRCh38, 1-based): chr7:43,541,175, C>T. VCF-style: chr7-43541175-C-T. GRCh37 (hg19) VCF-style: chr7-43580774-C-T.
Other names: c.3930C>T, p.Ser1310= (NM_001287059.2).
Identifiers: ClinVar variation 2657416 (VCV002657416.24), dbSNP rs61756578, ClinGen allele CA4233167.
Genomic context (GRCh38, chr7:43,541,175, plus strand): 5'-CAATGTAAATTTCCACTTACCGATTTCTCTGCCTTGTCTGTGTTCCAGGTTCAGGTTTAG[C>T]GGTCGCATCCTGGGTCTGGCTCTGATCCATCAGTACCTTCTTGACGCTTTCTTCACGAGG-3'
Protein context (NP_055867.3, residues 1334-1354): VENHLEWFRF[Ser1344=]GRILGLALIH